The following is an entry in ClinVar:

NM_201384.3(PLEC):c.12201C>G (p.Tyr4067Ter)

Gene: PLEC (plectin; minus strand). Cytogenetic location: 8q24.3.
Variant type: single nucleotide variant.
Coding change: c.12201C>G on transcript NM_201384.3 (MANE Select); coding-DNA position 12201, C replaced by G.
Protein change: p.Tyr4067Ter; replaces tyrosine 4067 with a stop codon.
Molecular consequence: nonsense.
Genome position (GRCh38, 1-based): chr8:143,917,620, G>C on the plus strand (C>G on the coding strand, the complement: PLEC is on the minus strand). VCF-style: chr8-143917620-G-C. GRCh37 (hg19) VCF-style: chr8-144991788-G-C.
Other names: c.12282C>G, p.Tyr4094Ter (NM_000445.5); c.8901C>G, p.Tyr2967Ter (NM_001410941.1); c.12159C>G, p.Tyr4053Ter (NM_201378.4); c.12135C>G, p.Tyr4045Ter (NM_201379.3); c.12612C>G, p.Tyr4204Ter (NM_201380.4); c.12105C>G, p.Tyr4035Ter (NM_201381.3); c.12201C>G, p.Tyr4067Ter (NM_201382.4); c.12213C>G, p.Tyr4071Ter (NM_201383.3); short protein forms Y4067*, Y4094*, Y4035*, Y4204*, Y2967*, Y4071*, Y4045*, Y4053*.
Identifiers: ClinVar variation 2946959 (VCV002946959.3), dbSNP rs1586765219, ClinGen allele CA372485322.

ClinVar aggregate classification (germline): Pathogenic (1 of 4 stars; one submission).

Conditions:
Epidermolysis bullosa simplex with nail dystrophy (EBS5D). Identifiers: MedGen C4225309, MONDO:0014661, OMIM 616487.
Epidermolysis bullosa simplex, Ogna type (EBS5A). Also called: Pidermolysis bullosa simplex 5A, Ogna type; EPIDERMOLYSIS BULLOSA SIMPLEX 5A, OGNA TYPE. Identifiers: Orphanet 79401, MedGen C0432317, MONDO:0007555, OMIM 131950.
Autosomal recessive limb-girdle muscular dystrophy type 2Q (LGMDR17). Also called: MUSCULAR DYSTROPHY, LIMB-GIRDLE, AUTOSOMAL RECESSIVE 17. Identifiers: Orphanet 254361, MedGen C3150989, MONDO:0013390, OMIM 613723.
Epidermolysis bullosa simplex 5B, with muscular dystrophy (EBS5B). Also called: EPIDERMOLYSIS BULLOSA SIMPLEX AND LIMB-GIRDLE MUSCULAR DYSTROPHY; Epidermolysis bullosa simplex with muscular dystrophy. Identifiers: Orphanet 257, MedGen C2931072, MONDO:0009181, OMIM 226670.
Epidermolysis bullosa simplex 5C, with pyloric atresia (EBS5C). Also called: PLEC-Related Epidermolysis Bullosa with Pyloric Atresia; Epidermolysis bullosa simplex with pyloric atresia; PLEC1-Related Epidermolysis Bullosa with Pyloric Atresia. Identifiers: Orphanet 158684, MedGen C2677349, MONDO:0012807, OMIM 612138.

Submission:

Labcorp Genetics (formerly Invitae), Labcorp
Classification: Pathogenic for Autosomal recessive limb-girdle muscular dystrophy type 2Q; Epidermolysis bullosa simplex, Ogna type; Epidermolysis bullosa simplex with nail dystrophy; Epidermolysis bullosa simplex 5C, with pyloric atresia; Epidermolysis bullosa simplex 5B, with muscular dystrophy. Last evaluated: 2023-04-24. Review status: criteria provided, single submitter. Criteria: Invitae Variant Classification Sherloc (09022015). Collection method: clinical testing. Allele origin: germline.
Comment: This sequence change creates a premature translational stop signal (p.Tyr4094*) in the PLEC gene. While this is not anticipated to result in nonsense mediated decay, it is expected to disrupt the last 481 amino acid(s) of the PLEC protein. This variant is not present in population databases (gnomAD no frequency). This variant has not been reported in the literature in individuals affected with PLEC-related conditions. This variant disrupts a region of the PLEC protein in which other variant(s) (p.Arg4167*) have been determined to be pathogenic (PMID: 10652002, 23289980, 31513275). This suggests that this is a clinically significant region of the protein, and that variants that disrupt it are likely to be disease-causing. For these reasons, this variant has been classified as Pathogenic.

Literature cited by the submitters: PubMed 10652002; PubMed 23289980; PubMed 31513275.